The following is an entry in ClinVar:

NM_000352.6(ABCC8):c.4307+1G>T

Gene: ABCC8 (ATP binding cassette subfamily C member 8; minus strand). Cytogenetic location: 11p15.1.
Variant type: single nucleotide variant.
Coding change: c.4307+1G>T on transcript NM_000352.6 (MANE Select); the canonical splice donor site of the intron after coding-DNA position 4307, G replaced by T.
Molecular consequence: splice donor variant.
Genome position (GRCh38, 1-based): chr11:17,395,609, C>A on the plus strand (G>T on the coding strand, the complement: ABCC8 is on the minus strand). VCF-style: chr11-17395609-C-A. GRCh37 (hg19) VCF-style: chr11-17417156-C-A.
Other names: c.4304+1G>T (NM_001351297.2); c.4307+1G>T (NM_001351296.2); c.4373+1G>T (NM_001351295.2); c.4310+1G>T (NM_001287174.3).
Identifiers: ClinVar variation 5003234 (VCV005003234.1).

ClinVar aggregate classification (germline): Likely pathogenic (1 of 4 stars; one submission).

Conditions:
Hyperinsulinemic hypoglycemia, familial, 1 (HHF1). Also called: Persistent hyperinsulinemic hypoglycemia of infancy; NESIDIOBLASTOSIS OF PANCREAS; HYPERINSULINISM, FAMILIAL, WITH PANCREATIC NESIDIOBLASTOSIS; HYPOGLYCEMIA, HYPERINSULINEMIC, OF INFANCY; Persistent Hyperinsulinemia Hypoglycemia of Infancy. Identifiers: Orphanet 276575, Orphanet 276598, MedGen C2931832, MONDO:0009734, OMIM 256450.

gnomAD v4.1: 1 of 1,549,958 alleles (0.000065%); highest among the groups gnomAD compares: Non-Finnish European, 0.000087%; no homozygotes.

Submission:

Myriad Genetics, Inc.
Classification: Likely pathogenic for Hyperinsulinemic hypoglycemia, familial, 1. Last evaluated: 2025-10-10. Review status: criteria provided, single submitter. Criteria: Myriad Autosomal Dominant, Autosomal Recessive and X-Linked Classification Criteria (2023). Collection method: clinical testing. Allele origin: unknown.
Comment: NM_000352.3(ABCC8):c.4307+1G>T is a variant in a canonical splice site classified as likely pathogenic in the context of familial hyperinsulinism, ABCC8-related. c.4307+1G>T has not been observed in cases with relevant disease. Relevant functional assessments of this variant are not available in the literature. c.4307+1G>T has been observed in referenced population frequency databases. In summary, NM_000352.3(ABCC8):c.4307+1G>T is a variant in a canonical splice site in a gene where loss of function is a known mechanism of disease and is predicted to disrupt protein function. Please note: this variant was assessed in the context of healthy population screening.